The following is an entry in ClinVar:

NM_001376.5(DYNC1H1):c.4075-15T>A

Gene: DYNC1H1 (dynein cytoplasmic 1 heavy chain 1; plus strand). Cytogenetic location: 14q32.31.
Variant type: single nucleotide variant.
Coding change: c.4075-15T>A on transcript NM_001376.5 (MANE Select); 15 bases into the intron before coding-DNA position 4075, T replaced by A.
Molecular consequence: intron variant.
Genome position (GRCh38, 1-based): chr14:102,000,939, T>A. VCF-style: chr14-102000939-T-A. GRCh37 (hg19) VCF-style: chr14-102467276-T-A.
Identifiers: ClinVar variation 1951498 (VCV001951498.5), dbSNP rs1035588666, ClinGen allele CA266994387.

ClinVar aggregate classification (germline): Uncertain significance (1 of 4 stars; one submission).

Conditions:
Charcot-Marie-Tooth disease axonal type 2O. Also called: CHARCOT-MARIE-TOOTH NEUROPATHY, AXONAL, TYPE 2O; CHARCOT-MARIE-TOOTH DISEASE, AXONAL, AUTOSOMAL DOMINANT, TYPE 2O; Charcot-Marie-Tooth Neuropathy Type 2O; Charcot-Marie-Tooth disease, axonal, type 20. Identifiers: Orphanet 284232, MedGen C3280220, MONDO:0013644, OMIM 614228.

Allele frequency attached by ClinVar (database versions not stated): gnomAD 0.00001; TOPMed 0.00001.
gnomAD v4.1: 2 of 1,606,640 alleles (0.00012%); highest among the groups gnomAD compares: African/African-American, 0.0027%; no homozygotes.

Submission:

Labcorp Genetics (formerly Invitae), Labcorp
Classification: Uncertain significance for Charcot-Marie-Tooth disease axonal type 2O. Last evaluated: 2022-09-15. Review status: criteria provided, single submitter. Criteria: Invitae Variant Classification Sherloc (09022015). Collection method: clinical testing. Allele origin: germline.
Comment: This sequence change falls in intron 18 of the DYNC1H1 gene. It does not directly change the encoded amino acid sequence of the DYNC1H1 protein. This variant is not present in population databases (gnomAD no frequency). This variant has not been reported in the literature in individuals affected with DYNC1H1-related conditions. Algorithms developed to predict the effect of sequence changes on RNA splicing suggest that this variant may create or strengthen a splice site. In summary, the available evidence is currently insufficient to determine the role of this variant in disease. Therefore, it has been classified as a Variant of Uncertain Significance.